The following is an entry in ClinVar:

NM_000321.3(RB1):c.1129A>T (p.Thr377Ser)

Gene: RB1 (RB transcriptional corepressor 1; plus strand). Cytogenetic location: 13q14.2.
Variant type: single nucleotide variant.
Coding change: c.1129A>T on transcript NM_000321.3 (MANE Select); coding-DNA position 1129, A replaced by T.
Protein change: p.Thr377Ser; replaces threonine 377 with serine.
Molecular consequence: missense variant.
Genome position (GRCh38, 1-based): chr13:48,373,406, A>T. VCF-style: chr13-48373406-A-T. GRCh37 (hg19) VCF-style: chr13-48947542-A-T.
Other names: short protein forms T377S.
Identifiers: ClinVar variation 237658 (VCV000237658.24), dbSNP rs146897002, ClinGen allele CA027663.

ClinVar aggregate classification (germline): Benign/Likely benign. Review status: criteria provided, multiple submitters, no conflicts (2 of 4 stars). 10 submissions from 10 submitters: Benign (3); Likely benign (7). Last evaluated 2026-09-01.

Conditions:
Hereditary retinoblastoma. Identifiers: Orphanet 357027, MedGen C0751483, MONDO:0018160.
Hereditary cancer-predisposing syndrome. Also called: Hereditary neoplastic syndrome; Hereditary Cancer Syndrome; Neoplastic Syndromes, Hereditary; Tumor predisposition. Identifiers: Orphanet 140162, MedGen C0027672, MeSH D009386, MONDO:0015356.
Retinoblastoma (RB1). Also called: RETINOBLASTOMA, SOMATIC. Identifiers: Orphanet 790, MedGen C0035335, MeSH D012175, MONDO:0008380, OMIM 180200, HP:0009919. Disease mechanism: loss of function. Inheritance: Both sporadic and heritable forms are tested..

Allele frequency attached by ClinVar (database versions not stated): gnomAD exomes 0.00008 and 0.00022; gnomAD 0.00080 and 0.00076; ESP Exome Variant Server 0.00085; TOPMed 0.00085; ExAC 0.00026; 1000 Genomes Project 0.00080; 1000 Genomes Project 30x 0.00094.
gnomAD v4.1: 231 of 1,570,090 alleles (0.015%); highest among the groups gnomAD compares: African/African-American, 0.29%; 1 homozygote.

Submissions (11):

CeGaT Center for Human Genetics Tuebingen
Classification: Likely benign. Last evaluated: 2026-09-01. Review status: criteria provided, single submitter. Criteria: CeGaT Center For Human Genetics Tuebingen Variant Classification Criteria Version 2. Collection method: clinical testing. Allele origin: germline. Affected: yes. Observed: 1 variant allele.
Comment: RB1: BP4

Myriad Genetics, Inc.
Classification: Likely benign for Retinoblastoma. Last evaluated: 2026-06-18. Review status: criteria provided, single submitter. Criteria: Myriad Autosomal Dominant, Autosomal Recessive and X-Linked Classification Criteria (2023). Collection method: clinical testing. Allele origin: unknown.
Comment: This variant is considered likely benign. This variant has been observed at a population frequency that is significantly greater than expected given the associated disease prevalence and penetrance.

Labcorp Genetics (formerly Invitae), Labcorp
Classification: Benign for Retinoblastoma. Last evaluated: 2026-01-26. Review status: criteria provided, single submitter. Criteria: Invitae Variant Classification Sherloc (09022015). Collection method: clinical testing. Allele origin: germline.

Ramesar Group, Division of Human Genetics, Institute of Infectious Diseases and Molecular Medicine, UCT/MRC Genomic and Precision Medicine Research Unit, University of Cape Town
Classification: Likely benign for Hereditary retinoblastoma. Last evaluated: 2025-09-17. Review status: criteria provided, single submitter. Criteria: ACMG Guidelines, 2015. Collection method: research. Allele origin: germline. Affected: no.
Comment: BP5 - Variant found in a patient with a different retinal disease; RB1 is not associated with the phenotype BP1 - A missense variant in a gene (RB1) for which primarily truncating variants are known to cause disease BP6 - Reported as benign in ClinVar

Blueprint Genetics
Classification: Likely benign. Last evaluated: 2022-10-20. Review status: criteria provided, single submitter. Criteria: ACMG Guidelines, 2015. Collection method: clinical testing. Allele origin: germline.

Color Diagnostics, LLC DBA Color Health
Classification: Benign for Retinoblastoma. Last evaluated: 2022-04-27. Review status: criteria provided, single submitter. Criteria: ACMG Guidelines, 2015. Collection method: clinical testing. Allele origin: germline.

GeneDx
Classification: Likely benign. Last evaluated: 2021-05-18. Review status: criteria provided, single submitter. Criteria: GeneDx Variant Classification Process June 2021. Collection method: clinical testing. Allele origin: germline. Affected: yes.
Comment: In silico analysis, which includes protein predictors and evolutionary conservation, supports that this variant does not alter protein structure/function; This variant is associated with the following publications: (PMID: 28780672, 26332594, 14769601)

Sema4
Classification: Benign for Hereditary cancer-predisposing syndrome. Last evaluated: 2021-01-04. Review status: criteria provided, single submitter. Criteria: Sema4 Curation Guidelines. Collection method: curation. Allele origin: germline.

Mendelics
Classification: Likely benign for Retinoblastoma. Last evaluated: 2019-05-28. Review status: criteria provided, single submitter. Criteria: Mendelics Assertion Criteria 2017. Collection method: clinical testing. Allele origin: unknown.

Ambry Genetics
Classification: Likely benign for Hereditary cancer-predisposing syndrome. Last evaluated: 2018-06-07. Review status: criteria provided, single submitter. Criteria: Ambry Variant Classification Scheme 2023. Collection method: clinical testing. Allele origin: germline.

Dr. Peter K. Rogan Lab, Western University
No classification provided (evidence only). Condition: Ovarian serous cystadenocarcinoma. Review status: no classification provided. Collection method: in vitro. Allele origin: not applicable. Functional consequence: retained intron. Not counted in ClinVar's aggregate classification.